The following is an entry in ClinVar:

ClinVar aggregate classification (germline): Likely benign. Review status: criteria provided, single submitter (1 of 4 stars). 2 submissions from 2 submitters: Likely benign (1). 1 of the submissions does not count toward it. Last evaluated 2023-11-12.

Conditions:
KARS1-related disorder. Also called: KARS1-related disorders.

Allele frequency attached by ClinVar (database versions not stated): gnomAD 0.00001.
gnomAD v4.1: 35 of 1,613,466 alleles (0.0022%); highest among the groups gnomAD compares: Non-Finnish European, 0.0027%; no homozygotes.

Submissions (2):

Labcorp Genetics (formerly Invitae), Labcorp
Classification: Likely benign. Last evaluated: 2023-11-12. Review status: criteria provided, single submitter. Criteria: Invitae Variant Classification Sherloc (09022015). Collection method: clinical testing. Allele origin: germline.

PreventionGenetics, part of Exact Sciences
Classification: Likely benign for KARS1-related condition. Last evaluated: 2023-04-19. Review status: no assertion criteria provided. Collection method: clinical testing. Allele origin: germline. Not counted in ClinVar's aggregate classification.
Comment: This variant is classified as likely benign based on ACMG/AMP sequence variant interpretation guidelines (Richards et al. 2015 PMID: 25741868, with internal and published modifications).

NM_005548.3(KARS1):c.450G>A (p.Glu150=)

Gene: KARS1 (lysyl-tRNA synthetase 1; minus strand). Cytogenetic location: 16q23.1.
Variant type: single nucleotide variant.
Coding change: c.450G>A on transcript NM_005548.3 (MANE Select); coding-DNA position 450, G replaced by A.
Protein change: p.Glu150=; no amino-acid change (glutamic acid 150 retained).
Molecular consequence: synonymous variant. On other transcripts: 5 prime UTR variant (1).
Genome position (GRCh38, 1-based): chr16:75,636,486, C>T on the plus strand (G>A on the coding strand, the complement: KARS1 is on the minus strand). VCF-style: chr16-75636486-C-T. GRCh37 (hg19) VCF-style: chr16-75670384-C-T.
Other names: c.534G>A (NM_001130089.1); c.534G>A, p.Glu178= (NM_001130089.2); c.-19G>A (NM_001378148.1).
Identifiers: ClinVar variation 1682442 (VCV001682442.10), dbSNP rs201043699, ClinGen allele CA8177623.